The following is an entry in ClinVar:

ClinVar aggregate classification (germline): Likely pathogenic (1 of 4 stars; one submission).

Allele frequency attached by ClinVar (database versions not stated): TOPMed below 0.00001.
gnomAD v4.1: 16 of 1,614,146 alleles (0.00099%); highest among the groups gnomAD compares: Non-Finnish European, 0.0014%; no homozygotes.

Submission:

Labcorp Genetics (formerly Invitae), Labcorp
Classification: Likely pathogenic. Last evaluated: 2023-06-11. Review status: criteria provided, single submitter. Criteria: Invitae Variant Classification Sherloc (09022015). Collection method: clinical testing. Allele origin: germline.
Comment: In summary, the currently available evidence indicates that the variant is pathogenic, but additional data are needed to prove that conclusively. Therefore, this variant has been classified as Likely Pathogenic. Algorithms developed to predict the effect of sequence changes on RNA splicing suggest that this variant may disrupt the consensus splice site. This variant has not been reported in the literature in individuals affected with TMPRSS3-related conditions. This variant is not present in population databases (gnomAD no frequency). This sequence change affects an acceptor splice site in intron 5 of the TMPRSS3 gene. It is expected to disrupt RNA splicing. Variants that disrupt the donor or acceptor splice site typically lead to a loss of protein function (PMID: 16199547), and loss-of-function variants in TMPRSS3 are known to be pathogenic (PMID: 16021470, 26969326).

Literature cited by the submitters: PubMed 16199547; PubMed 16021470; PubMed 26969326.

NM_001256317.3(TMPRSS3):c.447-1G>C

Gene: TMPRSS3 (transmembrane serine protease 3; minus strand). Cytogenetic location: 21q22.3.
Variant type: single nucleotide variant.
Coding change: c.447-1G>C on transcript NM_001256317.3 (MANE Select); the canonical splice acceptor site of the intron before coding-DNA position 447, G replaced by C.
Molecular consequence: splice acceptor variant.
Genome position (GRCh38, 1-based): chr21:42,385,535, C>G on the plus strand (G>C on the coding strand, the complement: TMPRSS3 is on the minus strand). VCF-style: chr21-42385535-C-G. GRCh37 (hg19) VCF-style: chr21-43805644-C-G.
Other names: c.447-1G>C (NM_024022.4, NM_032405.2); c.66-1G>C (NM_032404.3).
Identifiers: ClinVar variation 3002414 (VCV003002414.3), dbSNP rs972047466, ClinGen allele CA321546212.